The following is an entry in ClinVar:

NM_004370.6(COL12A1):c.3884G>A (p.Gly1295Asp)

Gene: COL12A1 (collagen type XII alpha 1 chain; minus strand). Cytogenetic location: 6q13.
Variant type: single nucleotide variant.
Coding change: c.3884G>A on transcript NM_004370.6 (MANE Select); coding-DNA position 3884, G replaced by A.
Protein change: p.Gly1295Asp; replaces glycine 1295 with aspartic acid.
Molecular consequence: missense variant.
Genome position (GRCh38, 1-based): chr6:75,151,983, C>T on the plus strand (G>A on the coding strand, the complement: COL12A1 is on the minus strand). VCF-style: chr6-75151983-C-T. GRCh37 (hg19) VCF-style: chr6-75861699-C-T.
Other names: c.392G>A, p.Gly131Asp (NM_080645.3); short protein forms G131D, G1295D.
Identifiers: ClinVar variation 2128708 (VCV002128708.4), dbSNP rs1204144437, ClinGen allele CA364748347.

ClinVar aggregate classification (germline): Uncertain significance (1 of 4 stars; one submission).

Conditions:
Ullrich congenital muscular dystrophy 2 (UCMD2). Identifiers: Orphanet 75840, MedGen C4225314, MONDO:0014654, OMIM 616470.
Bethlem myopathy 2 (BTHLM2). Identifiers: Orphanet 536516, Orphanet 610, MedGen C4225313, MONDO:0034022, OMIM 616471.

Submission:

Labcorp Genetics (formerly Invitae), Labcorp
Classification: Uncertain significance for Bethlem myopathy 2; Ullrich congenital muscular dystrophy 2. Last evaluated: 2022-05-12. Review status: criteria provided, single submitter. Criteria: Invitae Variant Classification Sherloc (09022015). Collection method: clinical testing. Allele origin: germline.
Comment: In summary, the available evidence is currently insufficient to determine the role of this variant in disease. Therefore, it has been classified as a Variant of Uncertain Significance. Algorithms developed to predict the effect of missense changes on protein structure and function are either unavailable or do not agree on the potential impact of this missense change (SIFT: "Deleterious"; PolyPhen-2: "Probably Damaging"; Align-GVGD: "Class C0"). This variant has not been reported in the literature in individuals affected with COL12A1-related conditions. This variant is present in population databases (no rsID available, gnomAD 0.0009%). This sequence change replaces glycine, which is neutral and non-polar, with aspartic acid, which is acidic and polar, at codon 1295 of the COL12A1 protein (p.Gly1295Asp).